The following is an entry in ClinVar:

NM_001042492.3(NF1):c.6583G>T (p.Glu2195Ter)

Gene: NF1 (neurofibromin 1; plus strand). Cytogenetic location: 17q11.2.
Variant type: single nucleotide variant.
Coding change: c.6583G>T on transcript NM_001042492.3 (MANE Select); coding-DNA position 6583, G replaced by T.
Protein change: p.Glu2195Ter; replaces glutamic acid 2195 with a stop codon.
Molecular consequence: nonsense.
Genome position (GRCh38, 1-based): chr17:31,337,523, G>T. VCF-style: chr17-31337523-G-T. GRCh37 (hg19) VCF-style: chr17-29664541-G-T.
Other names: c.6520G>T, p.Glu2174Ter (NM_000267.4); short protein forms E2174*, E2195*.
Identifiers: ClinVar variation 2845344 (VCV002845344.3), dbSNP rs1597843959, ClinGen allele CA399013330.
Genomic context (GRCh38, chr17:31,337,523, plus strand): 5'-GTCATTGCCTTCCGTTCCAGTTACCGGGACAGGTCATTCTCTCCTGGCTCCTATGAGAGA[G>T]AGACTTTTGCTTTGACATCCTTGGAAACAGTCACAGAAGCTTTGTTGGAGATCATGGAGG-3'

ClinVar aggregate classification (germline): Pathogenic (1 of 4 stars; one submission).

Conditions:
Neurofibromatosis, type 1 (NF1). Also called: Neurofibromatosis, type I; VON RECKLINGHAUSEN DISEASE; NEUROFIBROMATOSIS, TYPE I, SOMATIC; Peripheral type neurofibromatosis. Identifiers: Orphanet 636, MedGen C0027831, MONDO:0018975, OMIM 162200. Disease mechanism: loss of function.

Submission:

Labcorp Genetics (formerly Invitae), Labcorp
Classification: Pathogenic for Neurofibromatosis, type 1. Last evaluated: 2023-03-13. Review status: criteria provided, single submitter. Criteria: Invitae Variant Classification Sherloc (09022015). Collection method: clinical testing. Allele origin: germline.
Comment: This sequence change creates a premature translational stop signal (p.Glu2174*) in the NF1 gene. It is expected to result in an absent or disrupted protein product. Loss-of-function variants in NF1 are known to be pathogenic (PMID: 10712197, 23913538). This variant is not present in population databases (gnomAD no frequency). This variant has not been reported in the literature in individuals affected with NF1-related conditions. For these reasons, this variant has been classified as Pathogenic.

Literature cited by the submitters: PubMed 10712197; PubMed 23913538.